The following is an entry in ClinVar:

NM_001348768.2(HECW2):c.3086T>C (p.Leu1029Pro)

Gene: HECW2 (HECT, C2 and WW domain containing E3 ubiquitin protein ligase 2; minus strand). Cytogenetic location: 2q32.3.
Variant type: single nucleotide variant.
Coding change: c.3086T>C on transcript NM_001348768.2 (MANE Select); coding-DNA position 3086, T replaced by C.
Protein change: p.Leu1029Pro; replaces leucine 1029 with proline.
Molecular consequence: missense variant.
Genome position (GRCh38, 1-based): chr2:196,278,577, A>G on the plus strand (T>C on the coding strand, the complement: HECW2 is on the minus strand). VCF-style: chr2-196278577-A-G. GRCh37 (hg19) VCF-style: chr2-197143301-A-G.
Other names: c.2018T>C, p.Leu673Pro (NM_001304840.3); c.3086T>C, p.Leu1029Pro (NM_020760.4); short protein forms L1029P, L673P.
Identifiers: ClinVar variation 2535494 (VCV002535494.2), dbSNP rs1331907128, ClinGen allele CA349955778.

ClinVar aggregate classification (germline): Uncertain significance (1 of 4 stars; one submission).

Conditions:
Inborn genetic diseases. Identifiers: MedGen C0950123, MeSH D030342.

gnomAD v4.1: 1 of 1,614,148 alleles (0.000062%); highest among the groups gnomAD compares: Non-Finnish European, 0.000085%; no homozygotes.

Submission:

Ambry Genetics
Classification: Uncertain significance for Inborn genetic diseases. Last evaluated: 2023-05-23. Review status: criteria provided, single submitter. Criteria: Ambry Variant Classification Scheme 2023. Collection method: clinical testing. Allele origin: germline.
Comment: The c.3086T>C (p.L1029P) alteration is located in exon 15 (coding exon 14) of the HECW2 gene. This alteration results from a T to C substitution at nucleotide position 3086, causing the leucine (L) at amino acid position 1029 to be replaced by a proline (P). Based on data from gnomAD, the C allele has an overall frequency of <0.001% (1/251410) total alleles studied. The highest observed frequency was 0.001% (1/113708) of European (non-Finnish) alleles. This amino acid position is highly conserved in available vertebrate species. This alteration is predicted to be deleterious by in silico analysis. Based on insufficient or conflicting evidence, the clinical significance of this alteration remains unclear.